The following is an entry in ClinVar:

NM_001018005.2(TPM1):c.515T>A (p.Ile172Asn)

Gene: TPM1 (tropomyosin 1; plus strand). Cytogenetic location: 15q22.2.
Variant type: single nucleotide variant.
Coding change: c.515T>A on transcript NM_001018005.2 (MANE Select); coding-DNA position 515, T replaced by A.
Protein change: p.Ile172Asn; replaces isoleucine 172 with asparagine.
Molecular consequence: missense variant. On other transcripts: non-coding transcript variant (17).
Genome position (GRCh38, 1-based): chr15:63,060,891, T>A. VCF-style: chr15-63060891-T-A. GRCh37 (hg19) VCF-style: chr15-63353090-T-A.
Other names: c.515T>A, p.Ile172Asn (NM_000366.6, NM_001018004.2, NM_001018006.2 and 20 more transcripts); c.407T>A, p.Ile136Asn (NM_001018008.2, NM_001301289.2, NM_001330344.2 and 9 more transcripts); c.641T>A, p.Ile214Asn (NM_001365778.1, NM_001407322.1, NM_001407323.1 and 1 more transcripts); short protein forms I214N, I136N, I172N.
Identifiers: ClinVar variation 4724769 (VCV004724769.1).

ClinVar aggregate classification (germline): Uncertain significance (1 of 4 stars; one submission).

Conditions:
Hypertrophic cardiomyopathy. Also called: HYPERTROPHIC MYOCARDIOPATHY. Identifiers: Orphanet 217569, MedGen C0007194, MeSH D002312, MONDO:0005045, HP:0001639.

Submission:

Labcorp Genetics (formerly Invitae), Labcorp
Classification: Uncertain significance for Hypertrophic cardiomyopathy. Last evaluated: 2025-08-04. Review status: criteria provided, single submitter. Criteria: Invitae Variant Classification Sherloc (09022015). Collection method: clinical testing. Allele origin: germline.
Comment: This sequence change replaces isoleucine, which is neutral and non-polar, with asparagine, which is neutral and polar, at codon 172 of the TPM1 protein (p.Ile172Asn). This variant is not present in population databases (gnomAD no frequency). This variant has not been reported in the literature in individuals affected with TPM1-related conditions. An algorithm developed to predict the effect of missense changes on protein structure and function (PolyPhen-2) suggests that this variant is likely to be disruptive. In summary, the available evidence is currently insufficient to determine the role of this variant in disease. Therefore, it has been classified as a Variant of Uncertain Significance.